The following is an entry in ClinVar:

NM_003319.4:c.42743_42744insALU

Gene: TTN (titin; minus strand).
Variant type: Insertion.
Other names: c.42743_42744insALU (NM_003319.4).
Identifiers: ClinVar variation 1739277 (VCV001739277.2).

ClinVar aggregate classification (germline): Likely pathogenic (1 of 4 stars; one submission).

Conditions:
Cardiovascular phenotype. Identifiers: MedGen CN230736.

Submission:

Ambry Genetics
Classification: Likely pathogenic for Cardiovascular phenotype. Last evaluated: 2020-07-14. Review status: criteria provided, single submitter. Criteria: Ambry Variant Classification Scheme 2023. Collection method: clinical testing. Allele origin: germline.
Comment: The c.42743_42744insAlu likely pathogenic variant results from an Alu element insertion located in coding exon 153 of the TTN gene. This exon is located in the A-band region of the N2-B isoform of the titin protein and is constitutively expressed in TTN transcripts (percent spliced in or PSI 100%). Alu element insertions contribute to pathogenicity by either disrupting the coding sequence or inducing aberrant splicing (Belancio VP et al. Semin. Cancer Biol. 2010 Aug;20:200-10; Deininger P et al. Genome Biol. 2011 Dec;12:236). As such, this alteration is expected to result in loss of function by premature protein truncation or nonsense-mediated mRNA decay. While truncating variants in TTN are present in 1-3% of the general population, truncating variants in the A-band are the most common cause of dilated cardiomyopathy (DCM) (Herman DS et al. N. Engl. J. Med., 2012 Feb;366:619-28; Roberts AM et al. Sci Transl Med, 2015 Jan;7:270ra6). TTN truncating variants encoded in constitutive exons (PSI >90%) have been found to be significantly associated with DCM regardless of their position in titin (Schafer S et al. Nat. Genet., 2017 01;49:46-53). Based on the majority of available evidence to date, this variant is likely to be pathogenic.